The following is an entry in ClinVar:

ClinVar aggregate classification (germline): Pathogenic (1 of 4 stars; one submission).

Conditions:
Hereditary hemorrhagic telangiectasia (HHT). Also called: ORW DISEASE; Osler Weber Rendu syndrome; OSLER-RENDU-WEBER DISEASE; Osler hemorrhagic telangiectasia syndrome. Identifiers: Orphanet 774, MedGen C0039445, MONDO:0019180. Disease mechanism: loss of function.

Submission:

Labcorp Genetics (formerly Invitae), Labcorp
Classification: Pathogenic for Hereditary hemorrhagic telangiectasia. Last evaluated: 2019-07-23. Review status: criteria provided, single submitter. Criteria: Invitae Variant Classification Sherloc (09022015). Collection method: clinical testing. Allele origin: germline.
Comment: For these reasons, this variant has been classified as Pathogenic. Loss-of-function variants in ENG are known to be pathogenic (PMID: 15879500, 20656886, 22385575). This variant has not been reported in the literature in individuals with ENG-related conditions. This variant is not present in population databases (ExAC no frequency). This sequence change creates a premature translational stop signal (p.Leu251Profs*77) in the ENG gene. It is expected to result in an absent or disrupted protein product.

Literature cited by the submitters: PubMed 15879500; PubMed 20656886; PubMed 22385575.

NM_001114753.3(ENG):c.752_768del (p.Leu251fs)

Gene: ENG (endoglin; minus strand). Cytogenetic location: 9q34.11.
Variant type: Deletion.
Coding change: c.752_768del on transcript NM_001114753.3 (MANE Select); coding-DNA positions 752 to 768, 17 bases deleted (TCATCCTGCAGGGTCCC).
Protein change: p.Leu251fs; shifts the reading frame from leucine 251.
Molecular consequence: frameshift variant.
Genome position (GRCh38, 1-based): chr9:127,825,279-127,825,295, GGGACCCTGCAGGATGA deleted on the plus strand (TCATCCTGCAGGGTCCC on the coding strand, the reverse complement: ENG is on the minus strand); deleting any 17 consecutive bases within chr9:127,825,279-127,825,297 gives the same sequence; the c. name uses the placement nearest the transcript's 3' end. VCF-style (leftmost placement, unchanged base first): chr9-127825278-GGGGACCCTGCAGGATGA-G. GRCh37 (hg19) VCF-style: chr9-130587557-GGGGACCCTGCAGGATGA-G.
Other names: c.750_766del17, p.Leu251Profs (NM_000118.4, NM_001406715.1); c.206_222del, p.Leu69fs (NM_001278138.2); short protein forms L69fs, L251fs.
Identifiers: ClinVar variation 946406 (VCV000946406.10), dbSNP rs1830580547, ClinGen allele CA1139661211.